The following is an entry in ClinVar:

ClinVar aggregate classification (germline): Conflicting classifications of pathogenicity. Review status: criteria provided, conflicting classifications (1 of 4 stars). 3 submissions from 3 submitters: Likely pathogenic (1); Uncertain significance (2). Last evaluated 2025-12-08.

Conditions:
Primary familial dilated cardiomyopathy (FDC). Also called: Familial dilated cardiomyopathy; Hypokinetic dilated cardiomyopathy, familial. Identifiers: Orphanet 217607, MedGen C0340427, MONDO:0016333.
Cardiovascular phenotype. Identifiers: MedGen CN230736.

gnomAD v4.1: 1 of 1,579,580 alleles (0.000063%); highest among the groups gnomAD compares: Non-Finnish European, 0.000086%; no homozygotes.

Submissions (3):

Women's Health and Genetics/Laboratory Corporation of America, LabCorp
Classification: Likely pathogenic for Primary familial dilated cardiomyopathy. Last evaluated: 2025-12-08. Review status: criteria provided, single submitter. Criteria: LabCorp Variant Classification Summary - May 2015. Collection method: clinical testing. Allele origin: germline.
Comment: Variant summary: TTN NM_133378:c.32854+1G>T (also known as NM_001267550:c.40558+1G>T) is located in a canonical splice-site and is predicted to affect mRNA splicing resulting in a significantly altered protein due to either exon skipping, shortening, or inclusion of intronic material. Variants that disrupt the consensus splice site are a relatively common cause of aberrant splicing and loss of TTN function. Loss of function variants in all TTN bands are strongly associated with a spectrum of autosomal recessive titinopathies when exon expression (proportion spliced in, PSI, 1=complete expression) in skeletal muscle is >0.1 (PMID: 36977548, 39198997, 29598826, 32778822, 29691892, 33449170, 36977548, internal data). In contrast, loss of function variants in all TTN bands are only strongly associated with autosomal dominant TTN-related cardiomyopathies if located in exons constitutively expressed (PSI >0.9) in cardiac muscle, excluding extreme C-terminal exons 359-363 (PMID: 25589632, 31216868, 32964742, 34662387, 27869827, Shetty et al., Nat Cardiovasc Res 2024,, internal data). This variant is located in intron 219 in NM_001267550. The adjacent exon 219 has a maximum skeletal muscle PSI of 0.875 and a maximum cardiac muscle PSI of 1 (PMID: 39198997). This exon is symmetric, i.e. the length of the exon is a multiple of three and therefore removal of it will not alter the reading frame. Computational tools predict a significant impact on normal splicing: 2 predict the variant abolishes/weakens the 5' splicing donor site. However, these predictions have yet to be confirmed by functional studies. The variant allele was found at a frequency of 6.4e-07 in 1572654 control chromosomes (gnomAD). To our knowledge, no occurrence of c.32854+1G>T in individuals affected with TTN-related conditions and no experimental evidence demonstrating its impact on protein function have been reported. However, a different variant affecting the same nucleotide (TTN c.32854+1G>A), is classified by our lab as Likely Pathogenic. ClinVar contains an entry for this variant (Variation ID: 1327304). Based on the evidence outlined above, the variant was classified as likely pathogenic for both autosomal dominant and autosomal recessive TTN-related conditions.

Ambry Genetics
Classification: Uncertain significance for Cardiovascular phenotype. Last evaluated: 2023-05-05. Review status: criteria provided, single submitter. Criteria: Ambry Variant Classification Scheme 2023. Collection method: clinical testing. Allele origin: germline.
Comment: The c.13363+1G>T intronic variant results from a G to T substitution one nucleotide after coding exon 46 of the TTN gene. Exon 46 is located in the I-band region of the N2-B isoform of the titin protein and is constitutively expressed in TTN transcripts (percent spliced in or PSI 100%). This nucleotide position is highly conserved in available vertebrate species. In silico splice site analysis predicts that this alteration will weaken the native splice donor site. This alteration disrupts the canonical splice site and is expected to cause aberrant splicing. However, although direct evidence is unavailable, this alteration is predicted to result in an in-frame transcript that is not expected to trigger nonsense-mediated mRNA decay. The exact functional effect of the predicted splice impact is unknown. Since supporting evidence is limited at this time, the clinical significance of this alteration remains unclear.

GeneDx
Classification: Uncertain significance. Last evaluated: 2021-06-04. Review status: criteria provided, single submitter. Criteria: GeneDx Variant Classification Process June 2021. Collection method: clinical testing. Allele origin: germline. Affected: yes.
Comment: Has not been previously published as pathogenic or benign to our knowledge; Not observed at significant frequency in large population cohorts (Lek et al., 2016); Canonical splice site variant in the I-band with an unclear effect on protein function; This variant is associated with the following publications: (PMID: 27535533)

NM_001267550.2(TTN):c.40558+1G>T

Gene: TTN (titin; minus strand). Cytogenetic location: 2q31.2.
Variant type: single nucleotide variant.
Coding change: c.40558+1G>T on transcript NM_001267550.2 (MANE Select); the canonical splice donor site of the intron after coding-DNA position 40558, G replaced by T.
Molecular consequence: splice donor variant.
Genome position (GRCh38, 1-based): chr2:178,642,236, C>A on the plus strand (G>T on the coding strand, the complement: TTN is on the minus strand). VCF-style: chr2-178642236-C-A. GRCh37 (hg19) VCF-style: chr2-179506963-C-A.
Other names: c.13363+1G>T (NM_003319.4); c.13939+1G>T (NM_133437.4); c.13738+1G>T (NM_133432.3); c.32854+1G>T (NM_133378.4); c.35635+1G>T (NM_001256850.1).
Identifiers: ClinVar variation 1327304 (VCV001327304.5), dbSNP rs368219776, ClinGen allele CA349664588.